The following is an entry in ClinVar:

ClinVar aggregate classification (germline): Uncertain significance (1 of 4 stars; one submission).

Submission:

Ambry Genetics
Classification: Uncertain significance. Last evaluated: 2026-07-05. Review status: criteria provided, single submitter. Criteria: Ambry Variant Classification Scheme 2023. Collection method: clinical testing. Allele origin: germline.
Comment: The p.N568H variant (also known as c.1702A>C), located in coding exon 10 of the GALNT12 gene, results from an A to C substitution at nucleotide position 1702. The asparagine at codon 568 is replaced by histidine, an amino acid with similar properties. This amino acid position is conserved. In addition, this alteration is predicted to be tolerated by in silico analysis. Based on the available evidence, the clinical significance of this variant remains unclear.

NM_024642.5(GALNT12):c.1702A>C (p.Asn568His)

Gene: GALNT12 (polypeptide N-acetylgalactosaminyltransferase 12; plus strand). Cytogenetic location: 9q22.33.
Variant type: single nucleotide variant.
Coding change: c.1702A>C on transcript NM_024642.5 (MANE Select); coding-DNA position 1702, A replaced by C.
Protein change: p.Asn568His; replaces asparagine 568 with histidine.
Molecular consequence: missense variant.
Genome position (GRCh38, 1-based): chr9:98,849,048, A>C. VCF-style: chr9-98849048-A-C. GRCh37 (hg19) VCF-style: chr9-101611330-A-C.
Other names: short protein forms N568H.
Identifiers: ClinVar variation 5022135 (VCV005022135.1).